The following is an entry in ClinVar:

NM_001009944.3(PKD1):c.2548_2557del (p.Asp850fs)

Gene: PKD1 (polycystin 1, transient receptor potential channel interacting; minus strand). Cytogenetic location: 16p13.3.
Variant type: Deletion.
Coding change: c.2548_2557del on transcript NM_001009944.3 (MANE Select); coding-DNA positions 2548 to 2557, 10 bases deleted (GACTCTGGTG; older notation c.2548_2557delGACTCTGGTG).
Protein change: p.Asp850fs; shifts the reading frame from aspartic acid 850.
Molecular consequence: frameshift variant.
Genome position (GRCh38, 1-based): chr16:2,114,466-2,114,475, CACCAGAGTC deleted on the plus strand (GACTCTGGTG on the coding strand, the reverse complement: PKD1 is on the minus strand); deleting any 10 consecutive bases within chr16:2,114,466-2,114,479 gives the same sequence; the c. name uses the placement nearest the transcript's 3' end. VCF-style (leftmost placement, unchanged base first): chr16-2114465-GCACCAGAGTC-G. GRCh37 (hg19) VCF-style: chr16-2164466-GCACCAGAGTC-G.
Other names: c.2548_2557del, p.Asp850fs (NM_000296.4); short protein forms D850fs.
Identifiers: ClinVar variation 805157 (VCV000805157.1), dbSNP rs1596575921, ClinGen allele CA915949016.

ClinVar aggregate classification (germline): Likely pathogenic (1 of 4 stars; one submission).

Submission:

Athena Diagnostics
Classification: Likely pathogenic. Last evaluated: 2019-07-18. Review status: criteria provided, single submitter. Criteria: Athena Diagnostics Criteria. Collection method: clinical testing. Allele origin: germline.
Comment: The variant results in a shift of the reading frame, and is therefore predicted to result in the loss of a functional protein. Not found in the total gnomAD dataset, and the data is high quality (0/262570 chr).